The following is an entry in ClinVar:

ClinVar aggregate classification (germline): Likely pathogenic. Review status: criteria provided, multiple submitters, no conflicts (2 of 4 stars). 3 submissions from 3 submitters: Likely pathogenic (3). Last evaluated 2025-01-31.

Conditions:
Bifunctional peroxisomal enzyme deficiency (DBIF). Also called: D-bifunctional protein deficiency; DBP DEFICIENCY; PBFE DEFICIENCY. Identifiers: Orphanet 300, MedGen C0342870, MONDO:0009855, OMIM 261515. Disease mechanism: loss of function.
Perrault syndrome 1 (PRLTS1). Also called: GONADAL DYSGENESIS, XX TYPE, WITH DEAFNESS; OVARIAN DYSGENESIS WITH SENSORINEURAL DEAFNESS. Identifiers: Orphanet 2855, Orphanet 642945, MedGen C4551721, MONDO:0009300, OMIM 233400.

Submissions (3):

Natera, Inc.
Classification: Likely pathogenic for Bifunctional peroxisomal enzyme deficiency. Last evaluated: 2025-01-31. Review status: criteria provided, single submitter. Criteria: Natera Variant Classification Schema (03/2026). Collection method: clinical testing. Allele origin: germline.
Comment: The c.1573+1G>A variant in HSD17B4 is a canonical splice donor site variant predicted to affect pre-mRNA splicing, which may result in an abnormal transcript and altered protein product. This variant is expected to result in nonsense mediated decay, truncation, or a dysfunctional protein product. This variant is rare in the general population with a frequency below the threshold expected for the associated phenotype(s). Given the available evidence, this variant is classified as Likely Pathogenic.

Fulgent Genetics
Classification: Likely pathogenic for Perrault syndrome 1; Bifunctional peroxisomal enzyme deficiency. Last evaluated: 2024-05-09. Review status: criteria provided, single submitter. Criteria: ACMG Guidelines, 2015. Collection method: clinical testing. Allele origin: germline.

Baylor Genetics
Classification: Likely pathogenic for Bifunctional peroxisomal enzyme deficiency. Last evaluated: 2023-06-06. Review status: criteria provided, single submitter. Criteria: ACMG Guidelines, 2015. Collection method: clinical testing. Allele origin: unknown.

NM_000414.4(HSD17B4):c.1573+1G>A

Gene: HSD17B4 (hydroxysteroid 17-beta dehydrogenase 4; plus strand). Cytogenetic location: 5q23.1.
Variant type: single nucleotide variant.
Coding change: c.1573+1G>A on transcript NM_000414.4 (MANE Select); the canonical splice donor site of the intron after coding-DNA position 1573, G replaced by A.
Molecular consequence: splice donor variant.
Genome position (GRCh38, 1-based): chr5:119,525,286, G>A. VCF-style: chr5-119525286-G-A. GRCh37 (hg19) VCF-style: chr5-118860981-G-A.
Other names: c.1573+1G>A (NM_000414.3); c.1162+1G>A (NM_001374503.1, NM_001374502.1, NM_001374501.1); c.1648+1G>A (NM_001199291.3); c.1246+1G>A (NM_001374499.1); c.1132+1G>A (NM_001374500.1); c.1153+1G>A (NM_001292028.2); c.1501+1G>A (NM_001292027.2, NM_001374498.1); c.1564+1G>A (NM_001374497.1); and 1 more.
Identifiers: ClinVar variation 2676150 (VCV002676150.4), dbSNP rs2531905463, ClinGen allele CA360869181.